The following is an entry in ClinVar:

NM_000492.4(CFTR):c.215C>A (p.Ala72Asp)

Gene: CFTR (CF transmembrane conductance regulator; plus strand). Cytogenetic location: 7q31.2.
Variant type: single nucleotide variant.
Coding change: c.215C>A on transcript NM_000492.4 (MANE Select); coding-DNA position 215, C replaced by A.
Protein change: p.Ala72Asp; replaces alanine 72 with aspartic acid.
Molecular consequence: missense variant.
Genome position (GRCh38, 1-based): chr7:117,509,084, C>A. VCF-style: chr7-117509084-C-A. GRCh37 (hg19) VCF-style: chr7-117149138-C-A.
Other names: short protein forms A72D.
Identifiers: ClinVar variation 4064589 (VCV004064589.2), dbSNP rs397508347.

ClinVar aggregate classification (germline): Likely pathogenic (1 of 4 stars; one submission).

Conditions:
CFTR-related disorder (CFTR-RD). Also called: CFTR-related disorders; CFTR-related condition. Identifiers: MedGen C5924204, MONDO:7770004.

Submission:

Natera, Inc.
Classification: Likely pathogenic for CFTR-related disorders. Last evaluated: 2025-02-20. Review status: criteria provided, single submitter. Criteria: Natera Variant Classification Schema (03/2026). Collection method: clinical testing. Allele origin: germline.
Comment: The c.215C>A variant in CFTR is a missense variant predicted to cause substitution of alanine to aspartic acid at amino acid 72. This variant is rare in the general population with a frequency below the threshold expected for the associated phenotype(s). This variant has been observed in one or more individuals affected with the associated recessive disease, as either homozygous or compound heterozygous with a second variant (PMID: 16362824, 27105680). This variant has been found together with another disease-causing variant in the same copy of the gene (PMID: 38695616). Functional studies show that this variant may disrupt protein function (PMID: 38388235). Computational prediction algorithms indicate this variant is likely to affect gene or protein function. Given the available evidence, this variant is classified as Likely Pathogenic.

Literature cited by the submitters: PubMed 16362824; PubMed 27105680; PubMed 38695616; PubMed 38388235.